The following is an entry in ClinVar:

NM_014363.6(SACS):c.2988A>G (p.Leu996=)

Gene: SACS (sacsin molecular chaperone; minus strand). Cytogenetic location: 13q12.12.
Variant type: single nucleotide variant.
Coding change: c.2988A>G on transcript NM_014363.6 (MANE Select); coding-DNA position 2988, A replaced by G.
Protein change: p.Leu996=; no amino-acid change (leucine 996 retained).
Molecular consequence: synonymous variant.
Genome position (GRCh38, 1-based): chr13:23,340,888, T>C on the plus strand (A>G on the coding strand, the complement: SACS is on the minus strand). VCF-style: chr13-23340888-T-C. GRCh37 (hg19) VCF-style: chr13-23915027-T-C.
Other names: p.Leu996=; c.2547A>G, p.Leu849= (NM_001278055.2).
Identifiers: ClinVar variation 240897 (VCV000240897.73), dbSNP rs111846884, ClinGen allele CA6911582.

ClinVar aggregate classification (germline): Conflicting classifications of pathogenicity. Review status: criteria provided, conflicting classifications (1 of 4 stars). 11 submissions from 11 submitters: Uncertain significance (1); Benign (4); Likely benign (5). 1 of the submissions does not count toward it. Last evaluated 2026-05-01.

Conditions:
Hereditary spastic paraplegia. Also called: Familial spastic paraparesis. Identifiers: Orphanet 685, MedGen C0037773, MONDO:0019064. Disease mechanism: loss of function.
Spastic paraplegia. Identifiers: MedGen C0037772, HP:0001258.
Charlevoix-Saguenay spastic ataxia (SACS). Also called: SPASTIC ATAXIA 6, AUTOSOMAL RECESSIVE; AUTOSOMAL RECESSIVE SPASTIC ATAXIA OF CHARLEVOIX-SAGUENAY; Spastic ataxia of Charlevoix-Saguenay. Identifiers: Orphanet 98, MedGen C1849140, MONDO:0010041, OMIM 270550.

Allele frequency attached by ClinVar (database versions not stated): gnomAD 0.00165 and 0.00170; ESP Exome Variant Server 0.00169; 1000 Genomes Project 30x 0.00172; TOPMed 0.00175; 1000 Genomes Project 0.00180; gnomAD exomes 0.00185 and 0.00230; ExAC 0.00202.
gnomAD v4.1: 3,567 of 1,612,022 alleles (0.22%); highest among the groups gnomAD compares: Non-Finnish European, 0.26%; 10 homozygotes.

Submissions (11):

CeGaT Center for Human Genetics Tuebingen
Classification: Likely benign. Last evaluated: 2026-05-01. Review status: criteria provided, single submitter. Criteria: CeGaT Center For Human Genetics Tuebingen Variant Classification Criteria Version 2. Collection method: clinical testing. Allele origin: germline. Affected: yes. Observed: 20 variant alleles.
Comment: SACS: BP4, BP7

Labcorp Genetics (formerly Invitae), Labcorp
Classification: Benign for Spastic paraplegia. Last evaluated: 2026-01-28. Review status: criteria provided, single submitter. Criteria: Invitae Variant Classification Sherloc (09022015). Collection method: clinical testing. Allele origin: germline.

Women's Health and Genetics/Laboratory Corporation of America, LabCorp
Classification: Likely benign. Last evaluated: 2025-01-15. Review status: criteria provided, single submitter. Criteria: LabCorp Variant Classification Summary - May 2015. Collection method: clinical testing. Allele origin: germline.

Mayo Clinic Laboratories, Mayo Clinic
Classification: Benign. Last evaluated: 2024-02-23. Review status: criteria provided, single submitter. Criteria: ACMG Guidelines, 2015. Collection method: clinical testing. Allele origin: germline. Observed: 15 variant alleles.
Comment: BS1, BS2, BP4, BP7

Genome-Nilou Lab
Classification: Likely benign for Charlevoix-Saguenay spastic ataxia. Last evaluated: 2021-05-18. Review status: criteria provided, single submitter. Criteria: ACMG Guidelines, 2015. Collection method: clinical testing. Allele origin: germline. Affected: no.

Genome Diagnostics Laboratory, The Hospital for Sick Children
Classification: Likely benign for Hereditary spastic paraplegia. Last evaluated: 2020-01-01. Review status: criteria provided, single submitter. Criteria: ACMG Guidelines, 2015. Collection method: clinical testing. Allele origin: germline. Affected: yes.

Athena Diagnostics
Classification: Benign. Last evaluated: 2018-12-04. Review status: criteria provided, single submitter. Criteria: Athena Diagnostics Criteria. Collection method: clinical testing. Allele origin: germline.

Illumina Laboratory Services, Illumina
Classification: Uncertain significance for Charlevoix-Saguenay spastic ataxia. Last evaluated: 2017-04-27. Review status: criteria provided, single submitter. Criteria: ICSL Variant Classification Criteria 13 December 2019. Collection method: clinical testing. Allele origin: germline.
Comment: This variant was observed as part of a predisposition screen in an ostensibly healthy population. A literature search was performed for the gene, cDNA change, and amino acid change (where applicable). Publications were found based on this search. However, the evidence from the literature, in combination with allele frequency data from public databases where available, was not sufficient to rule this variant in or out of causing disease. Therefore, this variant is classified as a variant of unknown significance.

Eurofins Ntd Llc (ga)
Classification: Likely benign. Last evaluated: 2016-09-21. Review status: criteria provided, single submitter. Criteria: EGL Classification Definitions 2015. Collection method: clinical testing. Allele origin: germline. Observed: 1 variant allele, 1 heterozygote.

GeneDx
Classification: Benign. Last evaluated: 2015-03-03. Review status: criteria provided, single submitter. Criteria: GeneDx Variant Classification Process June 2021. Collection method: clinical testing. Allele origin: germline. Affected: yes.

Natera, Inc.
Classification: Likely benign for Charlevoix-Saguenay type spastic ataxia. Last evaluated: 2020-09-25. Review status: no assertion criteria provided. Collection method: clinical testing. Allele origin: germline. Not counted in ClinVar's aggregate classification.

Literature cited by the submitters: PubMed 19779133 (cited by 3 submitters).